The following is an entry in ClinVar:

ClinVar aggregate classification (germline): Pathogenic (1 of 4 stars; one submission).

Submission:

GeneDx
Classification: Pathogenic. Last evaluated: 2024-05-23. Review status: criteria provided, single submitter. Criteria: GeneDx Variant Classification Process June 2021. Collection method: clinical testing. Allele origin: germline. Affected: yes.
Comment: Frameshift variant predicted to result in protein truncation or nonsense mediated decay in a gene for which loss of function is a known mechanism of disease; Not observed at significant frequency in large population cohorts (gnomAD); Has not been previously published as pathogenic or benign to our knowledge

NM_017775.4(TTC19):c.646_647del (p.Glu216fs)

Gene: TTC19 (tetratricopeptide repeat domain 19; plus strand). Cytogenetic location: 17p12.
Variant type: Microsatellite.
Coding change: c.646_647del on transcript NM_017775.4 (MANE Select); coding-DNA positions 646 to 647, 2 bases deleted (GA; older notation c.646_647delGA).
Protein change: p.Glu216fs; shifts the reading frame from glutamic acid 216.
Molecular consequence: frameshift variant.
Genome position (GRCh38, 1-based): chr17:16,006,538-16,006,539, GA deleted; deleting any 2 consecutive bases within chr17:16,006,535-16,006,539 gives the same sequence; the c. name uses the placement nearest the transcript's 3' end. VCF-style (leftmost placement, unchanged base first): chr17-16006534-AAG-A. GRCh37 (hg19) VCF-style: chr17-15909848-AAG-A.
Other names: c.325_326del, p.Glu109fs (NM_001271420.2); short protein forms E109fs, E216fs.
Identifiers: ClinVar variation 1806678 (VCV001806678.2), dbSNP rs1230388887, ClinGen allele CA624961657.